The following is an entry in ClinVar:

NM_001556.3(IKBKB):c.1552G>A (p.Glu518Lys)

Gene: IKBKB (inhibitor of nuclear factor kappa B kinase subunit beta; plus strand). Cytogenetic location: 8p11.21.
Variant type: single nucleotide variant.
Coding change: c.1552G>A on transcript NM_001556.3 (MANE Select); coding-DNA position 1552, G replaced by A.
Protein change: p.Glu518Lys; replaces glutamic acid 518 with lysine.
Molecular consequence: missense variant. On other transcripts: non-coding transcript variant (2).
Genome position (GRCh38, 1-based): chr8:42,319,620, G>A. VCF-style: chr8-42319620-G-A. GRCh37 (hg19) VCF-style: chr8-42177138-G-A.
Other names: c.1360G>A, p.Glu454Lys (NM_001190720.3); c.1375G>A, p.Glu459Lys (NM_001242778.2); short protein forms E459K, E518K, E454K.
Identifiers: ClinVar variation 665841 (VCV000665841.6), dbSNP rs1378740755, ClinGen allele CA371090725.
Genomic context (GRCh38, chr8:42,319,620, plus strand): 5'-TTTTTCCTTCTCAATTTTTTTTCAGCATCAGATAAACTGCTGCTGGCCTGGAGGGAAATG[G>A]AGCAGGCTGTGGAGCTCTGTGGGCGGGTAGGAGACTCATTTTGGGTTTCGGAACTTACCA-3'
Protein context (NP_001547.1, residues 508-528): DKLLLAWREM[Glu518Lys]QAVELCGREN

ClinVar aggregate classification (germline): Uncertain significance (1 of 4 stars; one submission).

Conditions:
Severe combined immunodeficiency due to IKK2 deficiency. Also called: Immunodeficiency 15; IMMUNODEFICIENCY 15B. Identifiers: Orphanet 397787, MedGen C4747743, MONDO:0014267, OMIM 615592.

Allele frequency attached by ClinVar (database versions not stated): gnomAD exomes 0.00001; TOPMed 0.00001.
gnomAD v4.1: 4 of 1,596,222 alleles (0.00025%); highest among the groups gnomAD compares: Admixed American, 0.0072%; no homozygotes.

Submission:

Labcorp Genetics (formerly Invitae), Labcorp
Classification: Uncertain significance for Severe combined immunodeficiency due to IKK2 deficiency. Last evaluated: 2025-09-15. Review status: criteria provided, single submitter. Criteria: Invitae Variant Classification Sherloc (09022015). Collection method: clinical testing. Allele origin: germline.
Comment: This sequence change replaces glutamic acid, which is acidic and polar, with lysine, which is basic and polar, at codon 518 of the IKBKB protein (p.Glu518Lys). This variant is present in population databases (no rsID available, gnomAD 0.007%). This variant has not been reported in the literature in individuals affected with IKBKB-related conditions. ClinVar contains an entry for this variant (Variation ID: 665841). Invitae Evidence Modeling of protein sequence and biophysical properties (such as structural, functional, and spatial information, amino acid conservation, physicochemical variation, residue mobility, and thermodynamic stability) indicates that this missense variant is not expected to disrupt IKBKB protein function with a negative predictive value of 95%. In summary, the available evidence is currently insufficient to determine the role of this variant in disease. Therefore, it has been classified as a Variant of Uncertain Significance.